The following is an entry in ClinVar:

NM_000094.4(COL7A1):c.1625G>A (p.Arg542His)

Gene: COL7A1 (collagen type VII alpha 1 chain; minus strand). Cytogenetic location: 3p21.31.
Variant type: single nucleotide variant.
Coding change: c.1625G>A on transcript NM_000094.4 (MANE Select); coding-DNA position 1625, G replaced by A.
Protein change: p.Arg542His; replaces arginine 542 with histidine.
Molecular consequence: missense variant.
Genome position (GRCh38, 1-based): chr3:48,591,475, C>T on the plus strand (G>A on the coding strand, the complement: COL7A1 is on the minus strand). VCF-style: chr3-48591475-C-T. GRCh37 (hg19) VCF-style: chr3-48628908-C-T.
Other names: short protein forms R542H.
Identifiers: ClinVar variation 903454 (VCV000903454.10), dbSNP rs143991798, ClinGen allele CA2381167.

ClinVar aggregate classification (germline): Conflicting classifications of pathogenicity. Review status: criteria provided, conflicting classifications (1 of 4 stars). 3 submissions from 3 submitters: Uncertain significance (2); Likely benign (1). Last evaluated 2026-01-19.

Conditions:
Inborn genetic diseases. Identifiers: MedGen C0950123, MeSH D030342.
Epidermolysis bullosa dystrophica. Also called: Dystrophic epidermolysis bullosa; Dystrophic epidermolysis bullosa, Hallopeau-Siemens type (formerly). Identifiers: Orphanet 303, MedGen C0079294, MONDO:0006543.

Allele frequency attached by ClinVar (database versions not stated): gnomAD exomes 0.00003 and 0.00009; gnomAD 0.00004; TOPMed 0.00007; ESP Exome Variant Server 0.00008; ExAC 0.00010.
gnomAD v4.1: 42 of 1,613,704 alleles (0.0026%); highest among the groups gnomAD compares: Middle Eastern, 0.05%; no homozygotes.

Submissions (3):

Labcorp Genetics (formerly Invitae), Labcorp
Classification: Likely benign. Last evaluated: 2026-01-19. Review status: criteria provided, single submitter. Criteria: Invitae Variant Classification Sherloc (09022015). Collection method: clinical testing. Allele origin: germline.

Ambry Genetics
Classification: Uncertain significance for Inborn genetic diseases. Last evaluated: 2025-11-20. Review status: criteria provided, single submitter. Criteria: Ambry Variant Classification Scheme 2023. Collection method: clinical testing. Allele origin: germline.
Comment: The c.1625G>A (p.R542H) alteration is located in exon 12 (coding exon 12) of the COL7A1 gene. This alteration results from a G to A substitution at nucleotide position 1625, causing the arginine (R) at amino acid position 542 to be replaced by a histidine (H). Based on data from gnomAD, the A allele has an overall frequency of 0.009% (25/282342) total alleles studied. The highest observed frequency was 0.048% (17/35406) of Latino alleles. Based on insufficient or conflicting evidence, the clinical significance of this alteration remains unclear.

Illumina Laboratory Services, Illumina
Classification: Uncertain significance for Dystrophic epidermolysis bullosa. Last evaluated: 2018-01-12. Review status: criteria provided, single submitter. Criteria: ICSL Variant Classification Criteria 13 December 2019. Collection method: clinical testing. Allele origin: germline.